The following is an entry in ClinVar:

NM_000059.4(BRCA2):c.3597C>G (p.Asp1199Glu)

Gene: BRCA2 (BRCA2 DNA repair associated; plus strand). Cytogenetic location: 13q13.1.
Variant type: single nucleotide variant.
Coding change: c.3597C>G on transcript NM_000059.4 (MANE Select); coding-DNA position 3597, C replaced by G.
Protein change: p.Asp1199Glu; replaces aspartic acid 1199 with glutamic acid.
Molecular consequence: missense variant.
Genome position (GRCh38, 1-based): chr13:32,337,952, C>G. VCF-style: chr13-32337952-C-G. GRCh37 (hg19) VCF-style: chr13-32912089-C-G.
Other names: short protein forms D1199E.
Identifiers: ClinVar variation 1362003 (VCV001362003.9), dbSNP rs192892005, ClinGen allele CA387777476.

ClinVar aggregate classification (germline): Conflicting classifications of pathogenicity. Review status: criteria provided, conflicting classifications (1 of 4 stars). 2 submissions from 2 submitters: Uncertain significance (1); Likely benign (1). Last evaluated 2023-03-23.

Conditions:
Hereditary cancer-predisposing syndrome. Also called: Tumor predisposition; Hereditary neoplastic syndrome; Neoplastic Syndromes, Hereditary; Hereditary Cancer Syndrome. Identifiers: Orphanet 140162, MedGen C0027672, MeSH D009386, MONDO:0015356.
Hereditary breast ovarian cancer syndrome. Also called: BRCA1- and BRCA2-Associated Hereditary Breast and Ovarian Cancer; Hereditary breast and ovarian cancer; Hereditary breast and/or ovarian cancer syndrome; Hereditary breast and ovarian cancer syndrome; Hereditary breast and ovarian cancer syndrome (HBOC); Breast and ovarian cancer. Identifiers: Orphanet 145, MedGen C0677776, MeSH D061325, MONDO:0003582. Disease mechanism: loss of function.

Submissions (2):

University of Washington Department of Laboratory Medicine, University of Washington
Classification: Likely benign for Hereditary cancer-predisposing syndrome. Last evaluated: 2023-03-23. Review status: criteria provided, single submitter. Criteria: Dines et al. (Genet Med. 2020). Collection method: curation. Allele origin: germline.
Comment: Missense variant in a coldspot region where missense variants are very unlikely to be pathogenic (PMID:31911673).

BRCA2 exon 11 coldspot. Reclassification based on statistical prior probability.

Labcorp Genetics (formerly Invitae), Labcorp
Classification: Uncertain significance for Hereditary breast ovarian cancer syndrome. Last evaluated: 2021-06-17. Review status: criteria provided, single submitter. Criteria: Invitae Variant Classification Sherloc (09022015). Collection method: clinical testing. Allele origin: germline.
Comment: In summary, the available evidence is currently insufficient to determine the role of this variant in disease. Therefore, it has been classified as a Variant of Uncertain Significance. Advanced modeling of protein sequence and biophysical properties (such as structural, functional, and spatial information, amino acid conservation, physicochemical variation, residue mobility, and thermodynamic stability) performed at Invitae indicates that this missense variant is not expected to disrupt BRCA2 protein function. This variant has not been reported in the literature in individuals with BRCA2-related conditions. This variant is not present in population databases (ExAC no frequency). This sequence change replaces aspartic acid with glutamic acid at codon 1199 of the BRCA2 protein (p.Asp1199Glu). The aspartic acid residue is weakly conserved and there is a small physicochemical difference between aspartic acid and glutamic acid.